The following is an entry in ClinVar:

ClinVar aggregate classification (germline): Uncertain significance (1 of 4 stars; one submission).

Submission:

GeneDx
Classification: Uncertain significance. Last evaluated: 2022-12-27. Review status: criteria provided, single submitter. Criteria: GeneDx Variant Classification Process June 2021. Collection method: clinical testing. Allele origin: germline. Affected: yes.
Comment: Not observed at significant frequency in large population cohorts (gnomAD); In silico analysis supports that this missense variant does not alter protein structure/function; Has not been previously published as pathogenic or benign to our knowledge

NM_001458.5(FLNC):c.6553T>G (p.Tyr2185Asp)

Genes: FLNC (filamin C; plus strand), FLNC-AS1 (FLNC antisense RNA 1; minus strand). Cytogenetic location: 7q32.1.
Variant type: single nucleotide variant.
Coding change: c.6553T>G on transcript NM_001458.5 (MANE Select); coding-DNA position 6553, T replaced by G.
Protein change: p.Tyr2185Asp; replaces tyrosine 2185 with aspartic acid.
Molecular consequence: missense variant.
Genome position (GRCh38, 1-based): chr7:128,854,042, T>G. VCF-style: chr7-128854042-T-G. GRCh37 (hg19) VCF-style: chr7-128494096-T-G.
Other names: c.6454T>G, p.Tyr2152Asp (NM_001127487.2); short protein forms Y2152D, Y2185D.
Identifiers: ClinVar variation 2507108 (VCV002507108.1), dbSNP rs2536663678, ClinGen allele CA369212807.